The following is an entry in ClinVar:

NM_000179.3(MSH6):c.1841_1842delinsAT (p.Ser614Tyr)

Gene: MSH6 (mutS homolog 6; plus strand). Cytogenetic location: 2p16.3.
Variant type: Indel.
Coding change: c.1841_1842delinsAT on transcript NM_000179.3 (MANE Select); coding-DNA positions 1841 to 1842, CC replaced by AT.
Protein change: p.Ser614Tyr; replaces serine 614 with tyrosine.
Molecular consequence: missense variant. On other transcripts: non-coding transcript variant (4), intron variant (2).
Genome position (GRCh38, 1-based): chr2:47,799,824-47,799,825, CC replaced by AT. VCF-style: chr2-47799824-CC-AT. GRCh37 (hg19) VCF-style: chr2-48026963-CC-AT.
Other names: c.1451_1452delinsAT, p.Ser484Tyr (NM_001281492.2); c.935_936delinsAT, p.Ser312Tyr (NM_001281493.2, NM_001281494.2, NM_001406811.1 and 6 more transcripts); c.1937_1938delinsAT, p.Ser646Tyr (NM_001406795.1, NM_001406802.1); c.1841_1842delinsAT, p.Ser614Tyr (NM_001406796.1, NM_001406798.1, NM_001406800.1 and 3 more transcripts); c.1544_1545delinsAT, p.Ser515Tyr (NM_001406797.1, NM_001406801.1, NM_001406805.1 and 10 more transcripts); c.1316_1317delinsAT, p.Ser439Tyr (NM_001406799.1, NM_001406806.1, NM_001406807.1); c.1763_1764delinsAT, p.Ser588Tyr (NM_001406804.1); c.1847_1848delinsAT, p.Ser616Tyr (NM_001406813.1); and 3 more; short protein forms S614Y, S588Y, S616Y, S439Y, S484Y, S312Y, S515Y, S558Y.
Identifiers: ClinVar variation 3398942 (VCV003398942.1).

ClinVar aggregate classification (germline): Uncertain significance (1 of 4 stars; one submission).

Conditions:
Hereditary cancer-predisposing syndrome. Also called: Hereditary Cancer Syndrome; Tumor predisposition; Hereditary neoplastic syndrome; Neoplastic Syndromes, Hereditary. Identifiers: Orphanet 140162, MedGen C0027672, MeSH D009386, MONDO:0015356.

Submission:

Ambry Genetics
Classification: Uncertain significance for Hereditary cancer-predisposing syndrome. Last evaluated: 2024-10-29. Review status: criteria provided, single submitter. Criteria: Ambry Variant Classification Scheme 2023. Collection method: clinical testing. Allele origin: germline.
Comment: The c.1841_1842delCCinsAT variant, located in coding exon 4 of the MSH6 gene, results from an in-frame deletion of CC and insertion of AT at nucleotide positions 1841 to 1842. This results in the substitution of the serine residue for a tyrosine residue at codon 614, an amino acid with dissimilar properties. This amino acid position is not well conserved in available vertebrate species. In addition, the in silico prediction for this alteration is inconclusive (Choi Y et al. PLoS ONE. 2012; 7(10):e46688). Based on the available evidence, the clinical significance of this variant remains unclear.